The following is an entry in ClinVar:

ClinVar aggregate classification (germline): Uncertain significance (1 of 4 stars; one submission).

Conditions:
Familial cancer of breast. Also called: hereditary breast carcinoma; BREAST CANCER, FAMILIAL; Hereditary breast cancer. Identifiers: Orphanet 227535, MedGen C0346153, MONDO:0016419, OMIM 114480. Disease mechanism: loss of function.

gnomAD v4.1: 1 of 1,597,366 alleles (0.000063%); highest among the groups gnomAD compares: African/African-American, 0.0013%; no homozygotes.

Submission:

Labcorp Genetics (formerly Invitae), Labcorp
Classification: Uncertain significance for Familial cancer of breast. Last evaluated: 2024-11-28. Review status: criteria provided, single submitter. Criteria: Invitae Variant Classification Sherloc (09022015). Collection method: clinical testing. Allele origin: germline.
Comment: This sequence change replaces glutamic acid, which is acidic and polar, with glutamine, which is neutral and polar, at codon 19 of the BARD1 protein (p.Glu19Gln). The frequency data for this variant in the population databases is considered unreliable, as metrics indicate poor data quality at this position in the gnomAD database. This variant has not been reported in the literature in individuals affected with BARD1-related conditions. An algorithm developed to predict the effect of missense changes on protein structure and function outputs the following: PolyPhen-2: "Benign". The glutamine amino acid residue is found in multiple mammalian species, which suggests that this missense change does not adversely affect protein function. In summary, the available evidence is currently insufficient to determine the role of this variant in disease. Therefore, it has been classified as a Variant of Uncertain Significance.

NM_000465.4(BARD1):c.55G>C (p.Glu19Gln)

Gene: BARD1 (BRCA1 associated RING domain 1; minus strand). Cytogenetic location: 2q35.
Variant type: single nucleotide variant.
Coding change: c.55G>C on transcript NM_000465.4 (MANE Select); coding-DNA position 55, G replaced by C.
Protein change: p.Glu19Gln; replaces glutamic acid 19 with glutamine.
Molecular consequence: missense variant. On other transcripts: non-coding transcript variant (3).
Genome position (GRCh38, 1-based): chr2:214,809,515, C>G on the plus strand (G>C on the coding strand, the complement: BARD1 is on the minus strand). VCF-style: chr2-214809515-C-G. GRCh37 (hg19) VCF-style: chr2-215674239-C-G.
Other names: c.55G>C, p.Glu19Gln (NM_001282543.2, NM_001282545.2, NM_001282548.2 and 1 more transcripts); short protein forms E19Q.
Identifiers: ClinVar variation 3683347 (VCV003683347.2).